The following is an entry in ClinVar:

ClinVar aggregate classification (germline): Conflicting classifications of pathogenicity. Review status: criteria provided, conflicting classifications (1 of 4 stars). 4 submissions from 4 submitters: Uncertain significance (2); Likely benign (1). 1 of the submissions does not count toward it. Last evaluated 2025-12-03.

Conditions:
Inborn genetic diseases. Identifiers: MedGen C0950123, MeSH D030342.
WDPCP-related disorder. Also called: WDPCP-related condition.
Bardet-Biedl syndrome (BBS). Identifiers: Orphanet 110, MedGen C0752166, MONDO:0015229.

Submissions (4):

Labcorp Genetics (formerly Invitae), Labcorp
Classification: Uncertain significance for Bardet-Biedl syndrome. Last evaluated: 2025-12-03. Review status: criteria provided, single submitter. Criteria: Invitae Variant Classification Sherloc (09022015). Collection method: clinical testing. Allele origin: germline.
Comment: This variant, c.760_786del, results in the deletion of 9 amino acid(s) of the WDPCP protein (p.Pro254_Ala262del), but otherwise preserves the integrity of the reading frame. This variant is present in population databases (rs774995085, gnomAD 0.06%). This variant has not been reported in the literature in individuals affected with WDPCP-related conditions. ClinVar contains an entry for this variant (Variation ID: 531819). Experimental studies and prediction algorithms are not available or were not evaluated, and the functional significance of this variant is currently unknown. In summary, the available evidence is currently insufficient to determine the role of this variant in disease. Therefore, it has been classified as a Variant of Uncertain Significance.

Blueprint Genetics
Classification: Uncertain significance. Last evaluated: 2024-10-28. Review status: criteria provided, single submitter. Criteria: ACMG Guidelines, 2015. Collection method: clinical testing. Allele origin: germline.

Ambry Genetics
Classification: Likely benign for Inborn genetic diseases. Last evaluated: 2021-12-20. Review status: criteria provided, single submitter. Criteria: Ambry Variant Classification Scheme 2023. Collection method: clinical testing. Allele origin: germline.

PreventionGenetics, part of Exact Sciences
Classification: Likely benign for WDPCP-related condition. Last evaluated: 2024-05-08. Review status: no assertion criteria provided. Collection method: clinical testing. Allele origin: germline. Not counted in ClinVar's aggregate classification.
Comment: This variant is classified as likely benign based on ACMG/AMP sequence variant interpretation guidelines (Richards et al. 2015 PMID: 25741868, with internal and published modifications).

NM_015910.7(WDPCP):c.760_786del (p.Pro254_Ala262del)

Gene: WDPCP (WD repeat containing planar cell polarity effector; minus strand). Cytogenetic location: 2p15.
Variant type: Deletion.
Coding change: c.760_786del on transcript NM_015910.7 (MANE Select); coding-DNA positions 760 to 786, 27 bases deleted (CCCATTTCTTCTGAGAAGGACAGAGCC).
Protein change: p.Pro254_Ala262del.
Molecular consequence: inframe deletion. On other transcripts: non-coding transcript variant (3).
Genome position (GRCh38, 1-based): chr2:63,433,784-63,433,810, GGCTCTGTCCTTCTCAGAAGAAATGGG deleted on the plus strand (CCCATTTCTTCTGAGAAGGACAGAGCC on the coding strand, the reverse complement: WDPCP is on the minus strand); deleting any 27 consecutive bases within chr2:63,433,784-63,433,813 gives the same sequence; the c. name uses the placement nearest the transcript's 3' end. VCF-style (leftmost placement, unchanged base first): chr2-63433783-TGGCTCTGTCCTTCTCAGAAGAAATGGG-T. GRCh37 (hg19) VCF-style: chr2-63660917-TGGCTCTGTCCTTCTCAGAAGAAATGGG-T.
Other names: c.760_786del (NM_015910.5); c.760_786del27 (NM_015910.5); c.283_309del, p.Pro95_Ala103del (NM_001042692.3); c.688_714del, p.Pro230_Ala238del (NM_001354044.2); c.760_786del, p.Pro254_Ala262del (NM_001354045.2).
Identifiers: ClinVar variation 531819 (VCV000531819.12), dbSNP rs774995085, ClinGen allele CA1682350.